The following is an entry in ClinVar:

NM_015272.5(RPGRIP1L):c.3537_3538del (p.Tyr1179_Ser1180delinsTer)

Gene: RPGRIP1L (RPGRIP1 like; minus strand). Cytogenetic location: 16q12.2.
Variant type: Deletion.
Coding change: c.3537_3538del on transcript NM_015272.5 (MANE Select); coding-DNA positions 3537 to 3538, 2 bases deleted (CA; older notation c.3537_3538delCA).
Protein change: p.Tyr1179_Ser1180delinsTer.
Molecular consequence: nonsense.
Genome position (GRCh38, 1-based): chr16:53,619,103-53,619,104, TG deleted on the plus strand (CA on the coding strand, the reverse complement: RPGRIP1L is on the minus strand); deleting any 2 consecutive bases within chr16:53,619,103-53,619,105 gives the same sequence; the c. name uses the placement nearest the transcript's 3' end. VCF-style (leftmost placement, unchanged base first): chr16-53619102-CTG-C. GRCh37 (hg19) VCF-style: chr16-53653014-CTG-C.
Other names: c.3297_3298del, p.Tyr1099_Ser1100delinsTer (NM_001127897.4); c.3399_3400del, p.Tyr1133_Ser1134delinsTer (NM_001308334.3); c.3435_3436del, p.Tyr1145_Ser1146delinsTer (NM_001330538.2).
Identifiers: ClinVar variation 4815843 (VCV004815843.1).

ClinVar aggregate classification (germline): Likely pathogenic (1 of 4 stars; one submission).

Conditions:
Joubert syndrome. Also called: Familial aplasia of the vermis; JOUBERT-BOLTSHAUSER SYNDROME; CEREBELLOPARENCHYMAL DISORDER IV. Identifiers: Orphanet 475, MedGen C5979921, MONDO:0018772.

Submission:

Natera, Inc.
Classification: Likely pathogenic for Joubert syndrome. Last evaluated: 2024-05-09. Review status: criteria provided, single submitter. Criteria: Natera Variant Classification Schema (03/2026). Collection method: clinical testing. Allele origin: germline.
Comment: The c.3537_3538del variant in RPGRIP1L is a frameshift variant predicted to shift the reading frame and introduce a stop codon. This variant is expected to result in nonsense mediated decay, truncation, or a dysfunctional protein product. This variant is rare in the general population with a frequency below the threshold expected for the associated phenotype(s). Given the available evidence, this variant is classified as Likely Pathogenic.